The following is an entry in ClinVar:

ClinVar aggregate classification (germline): Benign/Likely benign. Review status: criteria provided, multiple submitters, no conflicts (2 of 4 stars). 3 submissions from 3 submitters: Benign (1); Likely benign (2). Last evaluated 2025-07-31.

Conditions:
Hereditary cancer-predisposing syndrome. Also called: Hereditary neoplastic syndrome; Neoplastic Syndromes, Hereditary; Tumor predisposition; Hereditary Cancer Syndrome. Identifiers: Orphanet 140162, MedGen C0027672, MeSH D009386, MONDO:0015356.
Tuberous sclerosis 2 (TSC2). Identifiers: Orphanet 805, MedGen C1860707, MONDO:0013199, OMIM 613254.

Allele frequency attached by ClinVar (database versions not stated): gnomAD exomes below 0.00001; TOPMed below 0.00001; ExAC 0.00001; gnomAD 0.00001.
gnomAD v4.1: 2 of 1,613,952 alleles (0.00012%); highest among the groups gnomAD compares: East Asian, 0.0022%; no homozygotes.

Submissions (3):

Labcorp Genetics (formerly Invitae), Labcorp
Classification: Likely benign for Tuberous sclerosis 2. Last evaluated: 2025-07-31. Review status: criteria provided, single submitter. Criteria: Invitae Variant Classification Sherloc (09022015). Collection method: clinical testing. Allele origin: germline.

Myriad Genetics, Inc.
Classification: Benign for Tuberous sclerosis 2. Last evaluated: 2025-05-02. Review status: criteria provided, single submitter. Criteria: Myriad Autosomal Dominant, Autosomal Recessive and X-Linked Classification Criteria (2023). Collection method: clinical testing. Allele origin: unknown.
Comment: This variant is considered benign. This variant is a silent/synonymous amino acid change and it is not expected to impact splicing.

Ambry Genetics
Classification: Likely benign for Hereditary cancer-predisposing syndrome. Last evaluated: 2019-07-12. Review status: criteria provided, single submitter. Criteria: Ambry Variant Classification Scheme 2023. Collection method: clinical testing. Allele origin: germline.

NM_000548.5(TSC2):c.346T>C (p.Leu116=)

Gene: TSC2 (TSC complex subunit 2; plus strand). Cytogenetic location: 16p13.3.
Variant type: single nucleotide variant.
Coding change: c.346T>C on transcript NM_000548.5 (MANE Select); coding-DNA position 346, T replaced by C.
Protein change: p.Leu116=; no amino-acid change (leucine 116 retained).
Molecular consequence: synonymous variant. On other transcripts: intron variant (1).
Genome position (GRCh38, 1-based): chr16:2,054,305, T>C. VCF-style: chr16-2054305-T-C. GRCh37 (hg19) VCF-style: chr16-2104306-T-C.
Other names: c.346T>C, p.Leu116= (NM_001077183.3, NM_001114382.3, NM_001363528.2 and 3 more transcripts); c.235T>C, p.Leu79= (NM_001318827.2); c.199T>C, p.Leu67= (NM_001318829.2); c.379T>C, p.Leu127= (NM_001318832.2); c.-1-1891T>C (NM_001318831.2).
Identifiers: ClinVar variation 468017 (VCV000468017.14), dbSNP rs751923657, ClinGen allele CA046984.
Genomic context (GRCh38, chr16:2,054,305, plus strand): 5'-CGTGTGGGCGACGCTGGCAGGCTCTGCTGATCCTGTGGCTTTTGTCTTTAGGGCGAGCGT[T>C]TGGGGGTCCTCAGAGCCCTCTTCTTTAAGGTCATCAAGGATTACCCTTCCAACGAAGACC-3'
Protein context (NP_000539.2, residues 106-126): KAIVQGQGER[Leu116=]GVLRALFFKV